The following is an entry in ClinVar:

ClinVar aggregate classification (germline): Likely benign. Review status: criteria provided, single submitter (1 of 4 stars). 2 submissions from 2 submitters: Likely benign (1). 1 of the submissions does not count toward it. Last evaluated 2022-05-27.

Conditions:
KLHL24-related disorder. Also called: KLHL24-related condition.

Allele frequency attached by ClinVar (database versions not stated): ExAC 0.00002; gnomAD exomes 0.00002 and 0.00003; gnomAD 0.00005 and 0.00006; TOPMed 0.00007; ESP Exome Variant Server 0.00031.
gnomAD v4.1: 36 of 1,612,980 alleles (0.0022%); highest among the groups gnomAD compares: Middle Eastern, 0.016%; no homozygotes.

Submissions (2):

Labcorp Genetics (formerly Invitae), Labcorp
Classification: Likely benign. Last evaluated: 2022-05-27. Review status: criteria provided, single submitter. Criteria: Invitae Variant Classification Sherloc (09022015). Collection method: clinical testing. Allele origin: germline.

PreventionGenetics, part of Exact Sciences
Classification: Likely benign for KLHL24-related condition. Last evaluated: 2019-09-22. Review status: no assertion criteria provided. Collection method: clinical testing. Allele origin: germline. Not counted in ClinVar's aggregate classification.
Comment: This variant is classified as likely benign based on ACMG/AMP sequence variant interpretation guidelines (Richards et al. 2015 PMID: 25741868, with internal and published modifications).

NM_017644.3(KLHL24):c.1167A>G (p.Arg389=)

Gene: KLHL24 (kelch like family member 24; plus strand). Cytogenetic location: 3q27.1.
Variant type: single nucleotide variant.
Coding change: c.1167A>G on transcript NM_017644.3 (MANE Select); coding-DNA position 1167, A replaced by G.
Protein change: p.Arg389=; no amino-acid change (arginine 389 retained).
Molecular consequence: synonymous variant.
Genome position (GRCh38, 1-based): chr3:183,664,982, A>G. VCF-style: chr3-183664982-A-G. GRCh37 (hg19) VCF-style: chr3-183382770-A-G.
Other names: c.1167A>G, p.Arg389= (NM_001349413.1, NM_001349414.1, NM_001349415.1 and 11 more transcripts); c.324A>G, p.Arg108= (NM_001349428.1, NM_001349429.1).
Identifiers: ClinVar variation 1603271 (VCV001603271.10), dbSNP rs140523161, ClinGen allele CA2721687.